The following is an entry in ClinVar:

ClinVar aggregate classification (germline): Uncertain significance. Review status: criteria provided, multiple submitters, no conflicts (2 of 4 stars). 2 submissions from 2 submitters: Uncertain significance (2). Last evaluated 2026-05-04.

Conditions:
Landau-Kleffner syndrome (FESD). Also called: EPILEPSY, FOCAL, WITH SPEECH DISORDER AND WITH OR WITHOUT MENTAL RETARDATION; APHASIA, ACQUIRED, WITH EPILEPSY. Identifiers: Orphanet 1945, Orphanet 725, Orphanet 98818, MedGen C0282512, MONDO:0009509, OMIM 245570.

Submissions (2):

GeneDx
Classification: Uncertain significance. Last evaluated: 2026-05-04. Review status: criteria provided, single submitter. Criteria: GeneDx Variant Classification Process June 2021. Collection method: clinical testing. Allele origin: germline.
Comment: Not observed at significant frequency in large population cohorts (gnomAD); In silico analysis supports that this missense variant has a deleterious effect on protein structure/function; Has not been previously published as pathogenic or benign to our knowledge; In silico analysis suggests this variant may impact gene splicing. In the absence of RNA/functional studies, the actual effect of this sequence change is unknown.

Labcorp Genetics (formerly Invitae), Labcorp
Classification: Uncertain significance for Landau-Kleffner syndrome. Last evaluated: 2022-11-20. Review status: criteria provided, single submitter. Criteria: Invitae Variant Classification Sherloc (09022015). Collection method: clinical testing. Allele origin: germline.
Comment: In summary, the available evidence is currently insufficient to determine the role of this variant in disease. Therefore, it has been classified as a Variant of Uncertain Significance. Algorithms developed to predict the effect of sequence changes on RNA splicing suggest that this variant may create or strengthen a splice site. Advanced modeling of protein sequence and biophysical properties (such as structural, functional, and spatial information, amino acid conservation, physicochemical variation, residue mobility, and thermodynamic stability) performed at Invitae indicates that this missense variant is expected to disrupt GRIN2A protein function. ClinVar contains an entry for this variant (Variation ID: 532710). This variant has not been reported in the literature in individuals affected with GRIN2A-related conditions. This variant is not present in population databases (gnomAD no frequency). This sequence change replaces tryptophan, which is neutral and slightly polar, with cysteine, which is neutral and slightly polar, at codon 390 of the GRIN2A protein (p.Trp390Cys).

NM_001134407.3(GRIN2A):c.1170G>T (p.Trp390Cys)

Gene: GRIN2A (glutamate ionotropic receptor NMDA type subunit 2A; minus strand). Cytogenetic location: 16p13.2.
Variant type: single nucleotide variant.
Coding change: c.1170G>T on transcript NM_001134407.3 (MANE Select); coding-DNA position 1170, G replaced by T.
Protein change: p.Trp390Cys; replaces tryptophan 390 with cysteine.
Molecular consequence: missense variant.
Genome position (GRCh38, 1-based): chr16:9,849,914, C>A on the plus strand (G>T on the coding strand, the complement: GRIN2A is on the minus strand). VCF-style: chr16-9849914-C-A. GRCh37 (hg19) VCF-style: chr16-9943771-C-A.
Other names: c.1170G>T (NM_000833.3); c.1170G>T, p.Trp390Cys (NM_000833.5, NM_001134408.2); short protein forms W390C.
Identifiers: ClinVar variation 532710 (VCV000532710.8), dbSNP rs1555496181, ClinGen allele CA394801261.
Genomic context (GRCh38, chr16:9,849,914, plus strand): 5'-GGTGACGATGCTGAGATGGTTGTCATCCGGCTCACAGTCGGAGAAGGACTTGTACCTGGG[C>A]CACACGGCGTGCCTCAGGCTCAGCGTATGGTTCTCCCACTTGCCCACCTGCAGCACAAAC-3'
Protein context (NP_001127879.1, residues 380-400): NHTLSLRHAV[Trp390Cys]PRYKSFSDCE